The following is an entry in ClinVar:

ClinVar aggregate classification (germline): Benign (1 of 4 stars; one submission).

Conditions:
Familial adenomatous polyposis 1 (FAP1). Also called: POLYPOSIS, ADENOMATOUS INTESTINAL; FAMILIAL ADENOMATOUS POLYPOSIS 1, ATTENUATED. Identifiers: MedGen C2713442, MONDO:0021056, OMIM 175100. Disease mechanism: loss of function.

Submission:

Myriad Genetics, Inc.
Classification: Benign for Familial adenomatous polyposis 1. Last evaluated: 2024-03-21. Review status: criteria provided, single submitter. Criteria: Myriad Autosomal Dominant, Autosomal Recessive and X-Linked Classification Criteria (2023). Collection method: clinical testing. Allele origin: unknown.
Comment: This variant is considered benign. This variant is a silent/synonymous amino acid change and it is not expected to impact splicing.

NM_000038.6(APC):c.3564T>A (p.Pro1188=)

Gene: APC (APC regulator of Wnt signaling pathway; plus strand). Cytogenetic location: 5q22.2.
Variant type: single nucleotide variant.
Coding change: c.3564T>A on transcript NM_000038.6 (MANE Select); coding-DNA position 3564, T replaced by A.
Protein change: p.Pro1188=; no amino-acid change (proline 1188 retained).
Molecular consequence: synonymous variant. On other transcripts: non-coding transcript variant (2).
Genome position (GRCh38, 1-based): chr5:112,839,158, T>A. VCF-style: chr5-112839158-T-A. GRCh37 (hg19) VCF-style: chr5-112174855-T-A.
Other names: c.3564T>A, p.Pro1188= (NM_001127510.3, NM_001354895.2, NM_001407450.1); c.3510T>A, p.Pro1170= (NM_001127511.3); c.3618T>A, p.Pro1206= (NM_001354896.2, NM_001407447.1, NM_001407448.1 and 1 more transcripts); c.3594T>A, p.Pro1198= (NM_001354897.2); c.3489T>A, p.Pro1163= (NM_001354898.2); c.3480T>A, p.Pro1160= (NM_001354899.2); c.3441T>A, p.Pro1147= (NM_001354900.2); c.3387T>A, p.Pro1129= (NM_001354901.2, NM_001407453.1); and 11 more.
Identifiers: ClinVar variation 3148329 (VCV003148329.1), dbSNP rs1367649227, ClinGen allele CA445963594.